The following is an entry in ClinVar:

NM_001174089.2(SLC4A11):c.505dup (p.Ala169fs)

Gene: SLC4A11 (solute carrier family 4 member 11; minus strand). Cytogenetic location: 20p13.
Variant type: Duplication.
Coding change: c.505dup on transcript NM_001174089.2 (MANE Select); coding-DNA position 505, one base duplicated (G; older notation c.505dupG).
Protein change: p.Ala169fs; shifts the reading frame from alanine 169.
Molecular consequence: frameshift variant. On other transcripts: non-coding transcript variant (3).
Genome position (GRCh38, 1-based): chr20:3,234,101, C duplicated on the plus strand (G on the coding strand, the reverse complement: SLC4A11 is on the minus strand); the first of 4 consecutive C bases (chr20:3,234,101-3,234,104); duplicating any one gives the same sequence. VCF-style (leftmost placement, unchanged base first): chr20-3234100-G-GC. GRCh37 (hg19) VCF-style: chr20-3214746-G-GC.
Other names: c.634dup, p.Ala212fs (NM_001174090.2, NM_001400280.1); c.505dup, p.Ala169fs (NM_001363745.2); c.448dup, p.Ala150fs (NM_001400277.1, NM_001400278.1, NM_001400279.1); c.553dup, p.Ala185fs (NM_032034.4); short protein forms A169fs, A185fs, A212fs, A150fs.
Identifiers: ClinVar variation 2115991 (VCV002115991.4), dbSNP rs2514599740, ClinGen allele CA2580098002.
Genomic context (GRCh38, chr20:3,234,100, plus strand): 5'-GCCCCTCCCAACGCCCCCGCCCGGGCCGGGAGACCGGCCTCACCTTTACCCCGCATGGGT[G>GC]CCCCGGCATCGGTGAAGAGCATGGCCATGAGCAGGTCCAGGTTGCAGTTGGGCTCATTGT-3'

ClinVar aggregate classification (germline): Pathogenic (1 of 4 stars; one submission).

Submission:

Labcorp Genetics (formerly Invitae), Labcorp
Classification: Pathogenic. Last evaluated: 2022-03-23. Review status: criteria provided, single submitter. Criteria: Invitae Variant Classification Sherloc (09022015). Collection method: clinical testing. Allele origin: germline.
Comment: This sequence change creates a premature translational stop signal (p.Ala185Glyfs*6) in the SLC4A11 gene. It is expected to result in an absent or disrupted protein product. Loss-of-function variants in SLC4A11 are known to be pathogenic (PMID: 17220209, 17679935). This variant is not present in population databases (gnomAD no frequency). This variant has not been reported in the literature in individuals affected with SLC4A11-related conditions. For these reasons, this variant has been classified as Pathogenic.

Literature cited by the submitters: PubMed 17220209; PubMed 17679935.